The following is an entry in ClinVar:

NM_002224.4(ITPR3):c.1005+1G>A

Gene: ITPR3 (inositol 1,4,5-trisphosphate receptor type 3; plus strand). Cytogenetic location: 6p21.31.
Variant type: single nucleotide variant.
Coding change: c.1005+1G>A on transcript NM_002224.4 (MANE Select); the canonical splice donor site of the intron after coding-DNA position 1005, G replaced by A.
Molecular consequence: splice donor variant.
Genome position (GRCh38, 1-based): chr6:33,663,551, G>A. VCF-style: chr6-33663551-G-A. GRCh37 (hg19) VCF-style: chr6-33631328-G-A.
Identifiers: ClinVar variation 5007040 (VCV005007040.2).

ClinVar aggregate classification (germline): Uncertain significance (1 of 4 stars; one submission).

Conditions:
Immunodeficiency 133 with ectodermal dysplasia with or without peripheral neuropathy. Identifiers: MedGen C6012744, MONDO:0979570, OMIM 621254.
Charcot-Marie-Tooth disease, demyelinating, type 1J. Also called: CHARCOT-MARIE-TOOTH NEUROPATHY, DEMYELINATING, TYPE 1J. Identifiers: MedGen C5774249, MONDO:0859311, OMIM 620111.

Submission:

Juno Genomics, Hangzhou Juno Genomics, Inc
Classification: Uncertain significance for Immunodeficiency 133 with ectodermal dysplasia with or without peripheral neuropathy; Charcot-Marie-Tooth disease, demyelinating, type 1J. Review status: criteria provided, single submitter. Criteria: ACMG Guidelines, 2015. Collection method: clinical testing. Allele origin: germline.
Comment: Absent from controls (or at extremely low frequency if recessive) in Genome Aggregation Database.